The following is an entry in ClinVar:

NM_005263.5(GFI1):c.281C>T (p.Ser94Leu)

Gene: GFI1 (growth factor independent 1 transcriptional repressor; minus strand). Cytogenetic location: 1p22.1.
Variant type: single nucleotide variant.
Coding change: c.281C>T on transcript NM_005263.5 (MANE Select); coding-DNA position 281, C replaced by T.
Protein change: p.Ser94Leu; replaces serine 94 with leucine.
Molecular consequence: missense variant.
Genome position (GRCh38, 1-based): chr1:92,482,881, G>A on the plus strand (C>T on the coding strand, the complement: GFI1 is on the minus strand). VCF-style: chr1-92482881-G-A. GRCh37 (hg19) VCF-style: chr1-92948438-G-A.
Other names: c.281C>T, p.Ser94Leu (NM_001127215.3, NM_001127216.3); short protein forms S94L.
Identifiers: ClinVar variation 1337317 (VCV001337317.5), dbSNP rs992126786, ClinGen allele CA27090572.

ClinVar aggregate classification (germline): Uncertain significance. Review status: criteria provided, multiple submitters, no conflicts (2 of 4 stars). 2 submissions from 2 submitters: Uncertain significance (2). Last evaluated 2025-01-17.

Allele frequency attached by ClinVar (database versions not stated): TOPMed 0.00002.

Submissions (2):

Ambry Genetics
Classification: Uncertain significance. Last evaluated: 2025-01-17. Review status: criteria provided, single submitter. Criteria: Ambry Variant Classification Scheme 2023. Collection method: clinical testing. Allele origin: germline.
Comment: The p.S94L variant (also known as c.281C>T), located in coding exon 2 of the GFI1 gene, results from a C to T substitution at nucleotide position 281. The serine at codon 94 is replaced by leucine, an amino acid with dissimilar properties. This amino acid position is conserved. In addition, the in silico prediction for this alteration is inconclusive. Based on the available evidence, the clinical significance of this variant remains unclear.

Genetic Services Laboratory, University of Chicago
Classification: Uncertain significance. Last evaluated: 2019-08-14. Review status: criteria provided, single submitter. Criteria: ACMG Guidelines, 2015. Collection method: clinical testing. Allele origin: germline. Affected: no.